The following is an entry in ClinVar:

GRCh38/hg38 15q25.2(chr15:82545213-84164180)x1

Genes: ADAMTSL3 (ADAMTS like 3; plus strand), AP3B2 (adaptor related protein complex 3 subunit beta 2; minus strand), BNC1 (basonuclin zinc finger protein 1; minus strand), BTBD1 (BTB domain containing 1; minus strand), C15orf40 (chromosome 15 open reading frame 40; minus strand) and 70 more. Cytogenetic location: 15q25.2.
Variant type: copy number loss.
Change: copy number 1 (one copy instead of two) of chr15:82,545,213-84,164,180 (1.62 Mb, GRCh38 coordinates, 1-based), cytogenetic band 15q25.2.
Identifiers: ClinVar variation 4852059 (VCV004852059.1).

ClinVar aggregate classification (germline): Pathogenic (1 of 4 stars; one submission).

Submission:

Clinical Genomics Laboratory, Laboratory for Precision Diagnostics, University of Washington
Classification: Pathogenic. Last evaluated: 2022-09-27. Review status: criteria provided, single submitter. Criteria: ACMG/ClinGen CNV Guidelines, 2019. Collection method: clinical testing. Allele origin: unknown. Affected: yes. Observed: 1 variant allele.
Comment: This is an interstitial microdeletion of the 15q25.2 proximal LCR B-LCR C region. This recurrent deletion is approximately 1.6 Mb in size and contains 13 protein-coding genes. PMID: 24352913 summarized the clinical features of 11 people found to have this deletion. The most common are short stature, mild to moderate developmental delay or intellectual disability, anemia, and undescended testes. Congenital heart and renal abnormalities are also frequent. Most people with this microdeletion have distinctive facial features, although no consistent pattern has emerged. There are five people with this microdeletion in the DECIPHER database whose clinical information is informative: 264647, 283311, 252225, 265188, 286355. All five have autism, intellectual disability, and/or global developmental delay. Four have distinctive facial features. One has short stature, and one has a congenital heart defect and diaphragmatic hernia.

Literature cited by the submitters: PubMed 24352913.